The following is an entry in ClinVar:

NM_000059.4(BRCA2):c.2091del (p.Lys697fs)

Gene: BRCA2 (BRCA2 DNA repair associated; plus strand). Cytogenetic location: 13q13.1.
Variant type: Deletion.
Coding change: c.2091del on transcript NM_000059.4 (MANE Select); coding-DNA position 2091, one base deleted (A; older notation c.2091delA).
Protein change: p.Lys697fs; shifts the reading frame from lysine 697.
Molecular consequence: frameshift variant.
Genome position (GRCh38, 1-based): chr13:32,336,446, A deleted; the last of 5 consecutive A bases (chr13:32,336,442-32,336,446); deleting any one gives the same sequence. VCF-style (leftmost placement, unchanged base first): chr13-32336441-GA-G. GRCh37 (hg19) VCF-style: chr13-32910578-GA-G.
Other names: short protein forms K697fs.
Identifiers: ClinVar variation 925054 (VCV000925054.8), dbSNP rs431825292, ClinGen allele CA913188582.

ClinVar aggregate classification (germline): Pathogenic. Review status: criteria provided, multiple submitters, no conflicts (2 of 4 stars). 2 submissions from 2 submitters: Pathogenic (2). Last evaluated 2022-08-25.

Conditions:
Hereditary cancer-predisposing syndrome. Also called: Neoplastic Syndromes, Hereditary; Tumor predisposition; Hereditary Cancer Syndrome; Hereditary neoplastic syndrome. Identifiers: Orphanet 140162, MedGen C0027672, MeSH D009386, MONDO:0015356.
Hereditary breast ovarian cancer syndrome. Also called: Hereditary breast and ovarian cancer syndrome; BRCA1- and BRCA2-Associated Hereditary Breast and Ovarian Cancer; Hereditary breast and ovarian cancer; Hereditary breast and ovarian cancer syndrome (HBOC); Breast and ovarian cancer; Hereditary breast and/or ovarian cancer syndrome. Identifiers: Orphanet 145, MedGen C0677776, MeSH D061325, MONDO:0003582. Disease mechanism: loss of function.

Submissions (2):

Labcorp Genetics (formerly Invitae), Labcorp
Classification: Pathogenic for Hereditary breast ovarian cancer syndrome. Last evaluated: 2022-08-25. Review status: criteria provided, single submitter. Criteria: Invitae Variant Classification Sherloc (09022015). Collection method: clinical testing. Allele origin: germline.
Comment: This variant is not present in population databases (gnomAD no frequency). This sequence change creates a premature translational stop signal (p.Lys697Asnfs*33) in the BRCA2 gene. It is expected to result in an absent or disrupted protein product. Loss-of-function variants in BRCA2 are known to be pathogenic (PMID: 20104584). This variant has not been reported in the literature in individuals affected with BRCA2-related conditions. For these reasons, this variant has been classified as Pathogenic. ClinVar contains an entry for this variant (Variation ID: 925054).

Color Diagnostics, LLC DBA Color Health
Classification: Pathogenic for Hereditary cancer-predisposing syndrome. Last evaluated: 2020-01-15. Review status: criteria provided, single submitter. Criteria: ACMG Guidelines, 2015. Collection method: clinical testing. Allele origin: germline.
Comment: This variant deletes 1 nucleotide in exon 11 of the BRCA2 gene, creating a frameshift and premature translation stop signal. This variant is expected to result in an absent or non-functional protein product. This variant has not been identified in the general population by the Genome Aggregation Database (gnomAD). Loss of BRCA2 function is a known mechanism of disease. Based on the available evidence, this variant is classified as Pathogenic.

Literature cited by the submitters: PubMed 20104584 (cited by Labcorp Genetics (formerly Invitae), Labcorp).